The following is an entry in ClinVar:

NM_002880.4(RAF1):c.*710_*737dup

Gene: RAF1 (Raf-1 proto-oncogene, serine/threonine kinase; minus strand). Cytogenetic location: 3p25.2.
Variant type: Duplication.
Coding change: c.*710_*737dup on transcript NM_002880.4 (MANE Select); 710 bases downstream of the stop codon through 737 bases downstream of the stop codon, 28 bases duplicated (GGGCCAGCCTTGTTTCTCTAACAAACAA).
Molecular consequence: 3 prime UTR variant. On other transcripts: non-coding transcript variant (3).
Genome position (GRCh38, 1-based): chr3:12,583,777-12,583,804, TTGTTTGTTAGAGAAACAAGGCTGGCCC duplicated on the plus strand (GGGCCAGCCTTGTTTCTCTAACAAACAA on the coding strand, the reverse complement: RAF1 is on the minus strand); duplicating any 28 consecutive bases within chr3:12,583,777-12,583,805 gives the same sequence; the c. name uses the placement nearest the transcript's 3' end. VCF-style (leftmost placement, unchanged base first): chr3-12583776-T-TTTGTTTGTTAGAGAAACAAGGCTGGCCC. GRCh37 (hg19) VCF-style: chr3-12625275-T-TTTGTTTGTTAGAGAAACAAGGCTGGCCC.
Other names: c.*710_*737dup (NM_001354689.3, NM_001354690.3, NM_001354691.3 and 4 more transcripts).
Identifiers: ClinVar variation 2653541 (VCV002653541.24), dbSNP rs569481249, ClinGen allele CA69601075.

ClinVar aggregate classification (germline): Likely benign (1 of 4 stars; one submission).

Submission:

CeGaT Center for Human Genetics Tuebingen
Classification: Likely benign. Last evaluated: 2022-11-01. Review status: criteria provided, single submitter. Criteria: CeGaT Center For Human Genetics Tuebingen Variant Classification Criteria Version 2. Collection method: clinical testing. Allele origin: germline. Affected: yes. Observed: 1 variant allele.
Comment: RAF1: BS1